The following is an entry in ClinVar:

NM_032634.4(PIGO):c.1549del (p.Ala517fs)

Gene: PIGO (phosphatidylinositol glycan anchor biosynthesis class O; minus strand). Cytogenetic location: 9p13.3.
Variant type: Deletion.
Coding change: c.1549del on transcript NM_032634.4 (MANE Select); coding-DNA position 1549, one base deleted (G; older notation c.1549delG).
Protein change: p.Ala517fs; shifts the reading frame from alanine 517.
Molecular consequence: frameshift variant. On other transcripts: intron variant (2).
Genome position (GRCh38, 1-based): chr9:35,092,338, C deleted on the plus strand (G on the coding strand, the reverse complement: PIGO is on the minus strand); the first of 2 consecutive C bases (chr9:35,092,338-35,092,339); deleting either gives the same sequence. VCF-style (leftmost placement, unchanged base first): chr9-35092337-GC-G. GRCh37 (hg19) VCF-style: chr9-35092334-GC-G.
Other names: c.1549delG (NM_032634.3); c.1549del (NM_032634.3); c.1344+205del (NM_152850.4, NM_001201484.2); short protein forms A517fs.
Identifiers: ClinVar variation 655474 (VCV000655474.7), dbSNP rs1587166550, ClinGen allele CA915947477.
Genomic context (GRCh38, chr9:35,092,337, plus strand): 5'-CTCTTGGACCCCCAGCCAGCCCAGGCTTTCCACAGAAAAGGGAGGAATGAGCTCACTGCA[GC>G]CACAGCCCCTAGAAGCACTAGATCTAGCTTCAGCTCAATAGTTCCCAGGAGTCCAGCATA-3'

ClinVar aggregate classification (germline): Pathogenic/Likely pathogenic. Review status: criteria provided, multiple submitters, no conflicts (2 of 4 stars). 2 submissions from 2 submitters: Pathogenic (1); Likely pathogenic (1). Last evaluated 2025-01-03.

Conditions:
Hyperphosphatasia with impaired intellectual development syndrome 2. Also called: Hyperphosphatasia with intellectual disability syndrome 2; GLYCOSYLPHOSPHATIDYLINOSITOL BIOSYNTHESIS DEFECT 6. Identifiers: Orphanet 247262, MedGen C3553637, MONDO:0013882, OMIM 614749.

Submissions (2):

GeneDx
Classification: Likely pathogenic. Last evaluated: 2025-01-03. Review status: criteria provided, single submitter. Criteria: GeneDx Variant Classification Process June 2021. Collection method: clinical testing. Allele origin: germline. Affected: yes.
Comment: Reported previously as a heterozygous variant in a patient with a clinical diagnosis of epilepsy; however, no further clinical or segregation information was provided (PMID: 31440721); Frameshift variant predicted to result in protein truncation or nonsense mediated decay in a gene for which loss of function is a known mechanism of disease; Not observed at significant frequency in large population cohorts (gnomAD); This variant is associated with the following publications: (PMID: 31440721)

Labcorp Genetics (formerly Invitae), Labcorp
Classification: Pathogenic for Hyperphosphatasia with impaired intellectual development syndrome 2. Last evaluated: 2020-01-24. Review status: criteria provided, single submitter. Criteria: Invitae Variant Classification Sherloc (09022015). Collection method: clinical testing. Allele origin: germline.
Comment: For these reasons, this variant has been classified as Pathogenic. This variant has not been reported in the literature in individuals with PIGO-related disease. This sequence change creates a premature translational stop signal (p.Ala517Leufs*3) in the PIGO gene. It is expected to result in an absent or disrupted protein product. This variant is not present in population databases (ExAC no frequency). Loss-of-function variants in PIGO are known to be pathogenic (PMID: 22683086, 24417746).

Literature cited by the submitters: PubMed 22683086 (cited by Labcorp Genetics (formerly Invitae), Labcorp); PubMed 24417746 (cited by Labcorp Genetics (formerly Invitae), Labcorp).